The following is an entry in ClinVar:

NM_000089.4(COL1A2):c.824C>T (p.Pro275Leu)

Gene: COL1A2 (collagen type I alpha 2 chain; plus strand). Cytogenetic location: 7q21.3.
Variant type: single nucleotide variant.
Coding change: c.824C>T on transcript NM_000089.4 (MANE Select); coding-DNA position 824, C replaced by T.
Protein change: p.Pro275Leu; replaces proline 275 with leucine.
Molecular consequence: missense variant.
Genome position (GRCh38, 1-based): chr7:94,409,353, C>T. VCF-style: chr7-94409353-C-T. GRCh37 (hg19) VCF-style: chr7-94038665-C-T.
Other names: short protein forms P275L.
Identifiers: ClinVar variation 2201524 (VCV002201524.4), dbSNP rs1434292644, ClinGen allele CA368220602.
Genomic context (GRCh38, chr7:94,409,353, plus strand): 5'-TAATTCCTTGGTTTAATTTCCTCTTTTAGGGTGAAATTGGAGCTGTTGGTAACGCTGGTC[C>T]TGCTGGTCCCGCCGGTCCCCGTGGTGAAGTGGGTCTTCCAGGCCTCTCCGGCCCCGTTGG-3'
Protein context (NP_000080.2, residues 265-285): GEIGAVGNAG[Pro275Leu]AGPAGPRGEV

ClinVar aggregate classification (germline): Uncertain significance (1 of 4 stars; one submission).

Conditions:
Ehlers-Danlos syndrome, classic type, 1 (EDSCL1). Also called: Ehlers-Danlos Syndrome, Classic Type, COL5A1-Related; EHLERS-DANLOS SYNDROME, GRAVIS TYPE; EHLERS-DANLOS SYNDROME, SEVERE CLASSIC TYPE; Ehlers-Danlos syndrome, type 1; EDS I. Identifiers: MedGen C0268335, MONDO:0019567, OMIM 130000.
Osteogenesis imperfecta type I (OI1). Also called: OI, TYPE I; OSTEOGENESIS IMPERFECTA TARDA; OSTEOGENESIS IMPERFECTA WITH BLUE SCLERAE; Osteogenesis imperfecta type 1; Classic Non-deforming Osteogenesis Imperfecta with Blue Sclerae; Lobstein's Disease. Identifiers: Orphanet 216796, Orphanet 666, MedGen C0023931, MONDO:0008146, OMIM 166200. Disease mechanism: loss of function.

Allele frequency attached by ClinVar (database versions not stated): gnomAD 0.00001; gnomAD exomes 0.00002.
gnomAD v4.1: 24 of 1,613,956 alleles (0.0015%); highest among the groups gnomAD compares: Non-Finnish European, 0.002%; no homozygotes.

Submission:

Labcorp Genetics (formerly Invitae), Labcorp
Classification: Uncertain significance for Osteogenesis imperfecta type I; Ehlers-Danlos syndrome, classic type, 1. Last evaluated: 2025-11-04. Review status: criteria provided, single submitter. Criteria: Invitae Variant Classification Sherloc (09022015). Collection method: clinical testing. Allele origin: germline.
Comment: This sequence change replaces proline, which is neutral and non-polar, with leucine, which is neutral and non-polar, at codon 275 of the COL1A2 protein (p.Pro275Leu). This variant is present in population databases (no rsID available, gnomAD 0.002%). This variant has not been reported in the literature in individuals affected with COL1A2-related conditions. ClinVar contains an entry for this variant (Variation ID: 2201524). Invitae Evidence Modeling of protein sequence and biophysical properties (such as structural, functional, and spatial information, amino acid conservation, physicochemical variation, residue mobility, and thermodynamic stability) indicates that this missense variant is not expected to disrupt COL1A2 protein function with a negative predictive value of 80%. In summary, the available evidence is currently insufficient to determine the role of this variant in disease. Therefore, it has been classified as a Variant of Uncertain Significance.